The following is an entry in ClinVar:

ClinVar aggregate classification (germline): Pathogenic. Review status: criteria provided, multiple submitters, no conflicts (2 of 4 stars). 2 submissions from 2 submitters: Pathogenic (2). Last evaluated 2023-09-08.

Conditions:
Cardiac arrhythmia. Also called: Cardiac rhythm disease; Arrhythmia. Identifiers: MedGen C0003811, MONDO:0007263, HP:0011675.
Long QT syndrome (LQTS). Identifiers: MedGen C0023976, MeSH D008133, MONDO:0002442. Disease mechanism: loss of function. Inheritance: Various modes of inheritance.

Submissions (2):

Color Diagnostics, LLC DBA Color Health
Classification: Pathogenic for Cardiac arrhythmia. Last evaluated: 2023-09-08. Review status: criteria provided, single submitter. Criteria: ACMG Guidelines, 2015. Collection method: clinical testing. Allele origin: germline.
Comment: This variant causes duplication of 2 nucleotides in exon 5 of the KCNQ1 gene, creating a frameshift and premature translation stop signal. This variant is expected to result in an absent or non-functional protein product. To our knowledge, this variant has not been reported in individuals affected with KCNQ1-related disorders in the literature. This variant has been identified in 1/248778 chromosomes in the general population by the Genome Aggregation Database (gnomAD). Loss of KCNQ1 function is a known mechanism of disease. Based on the available evidence, this variant is classified as Pathogenic.

Labcorp Genetics (formerly Invitae), Labcorp
Classification: Pathogenic for Long QT syndrome. Last evaluated: 2021-03-01. Review status: criteria provided, single submitter. Criteria: Invitae Variant Classification Sherloc (09022015). Collection method: clinical testing. Allele origin: germline.
Comment: This sequence change creates a premature translational stop signal (p.Leu250Glyfs*14) in the KCNQ1 gene. It is expected to result in an absent or disrupted protein product. Loss-of-function variants in KCNQ1 are known to be pathogenic (PMID: 9323054, 19862833). This variant is not present in population databases (ExAC no frequency). This variant has not been reported in the literature in individuals with KCNQ1-related conditions. For these reasons, this variant has been classified as Pathogenic.

Literature cited by the submitters: PubMed 9323054 (cited by Labcorp Genetics (formerly Invitae), Labcorp); PubMed 19862833 (cited by Labcorp Genetics (formerly Invitae), Labcorp).

NM_000218.3(KCNQ1):c.745_746dup (p.Leu250fs)

Gene: KCNQ1 (potassium voltage-gated channel subfamily Q member 1; plus strand). Cytogenetic location: 11p15.5.
Variant type: Duplication.
Coding change: c.745_746dup on transcript NM_000218.3 (MANE Select); coding-DNA positions 745 to 746, 2 bases duplicated (AG; older notation c.745_746dupAG).
Protein change: p.Leu250fs; shifts the reading frame from leucine 250.
Molecular consequence: frameshift variant.
Genome position (GRCh38, 1-based): chr11:2,572,074-2,572,075, AG duplicated; duplicating any 2 consecutive bases within chr11:2,572,073-2,572,075 gives the same sequence; the c. name uses the placement nearest the transcript's 3' end. VCF-style (leftmost placement, unchanged base first): chr11-2572072-G-GGA. GRCh37 (hg19) VCF-style: chr11-2593302-G-GGA.
Other names: c.745_746dup, p.Leu250Glyfs (NM_001406836.1); c.475_476dup, p.Leu160Glyfs (NM_001406837.1); c.364_365dup, p.Leu123Glyfs (NM_181798.2); short protein forms L123fs, L250fs.
Identifiers: ClinVar variation 1455898 (VCV001455898.10), dbSNP rs1221462654, ClinGen allele CA597109449.